The following is an entry in ClinVar:

NM_000143.4(FH):c.501T>G (p.Gly167=)

Gene: FH (fumarate hydratase; minus strand). Cytogenetic location: 1q43.
Variant type: single nucleotide variant.
Coding change: c.501T>G on transcript NM_000143.4 (MANE Select); coding-DNA position 501, T replaced by G.
Protein change: p.Gly167=; no amino-acid change (glycine 167 retained).
Molecular consequence: synonymous variant.
Genome position (GRCh38, 1-based): chr1:241,512,021, A>C on the plus strand (T>G on the coding strand, the complement: FH is on the minus strand). VCF-style: chr1-241512021-A-C. GRCh37 (hg19) VCF-style: chr1-241675321-A-C.
Identifiers: ClinVar variation 3773196 (VCV003773196.1).

ClinVar aggregate classification (germline): Benign/Likely benign. Review status: criteria provided, multiple submitters, no conflicts (2 of 4 stars). 2 submissions from 2 submitters: Benign (1); Likely benign (1). Last evaluated 2025-10-30.

Conditions:
Hereditary cancer-predisposing syndrome. Also called: Neoplastic Syndromes, Hereditary; Tumor predisposition; Hereditary Cancer Syndrome; Hereditary neoplastic syndrome. Identifiers: Orphanet 140162, MedGen C0027672, MeSH D009386, MONDO:0015356.
Hereditary leiomyomatosis and renal cell cancer. Also called: MULTIPLE CUTANEOUS AND UTERINE LEIOMYOMATA 1, WITH OR WITHOUT RENAL CELL CARCINOMA; LEIOMYOMA, MULTIPLE CUTANEOUS; FH tumor predisposition syndrome; Reed syndrome; Multiple cutaneous and uterine leiomyomatosis; Cutaneous leiomyomata with uterine leiomyomata. Identifiers: Orphanet 523, MedGen C1708350, MONDO:0007888, OMIM 150800, HP:0007437. Disease mechanism: loss of function.

Submissions (2):

Ambry Genetics
Classification: Likely benign for Hereditary cancer-predisposing syndrome. Last evaluated: 2025-10-30. Review status: criteria provided, single submitter. Criteria: Ambry Variant Classification Scheme 2023. Collection method: clinical testing. Allele origin: germline.

Myriad Genetics, Inc.
Classification: Benign for Hereditary leiomyomatosis and renal cell cancer. Last evaluated: 2024-10-18. Review status: criteria provided, single submitter. Criteria: Myriad Autosomal Dominant, Autosomal Recessive and X-Linked Classification Criteria (2023). Collection method: clinical testing. Allele origin: unknown.
Comment: This variant is considered benign. This variant is a silent/synonymous amino acid change and it is not expected to impact splicing.